The following is an entry in ClinVar:

ClinVar aggregate classification (germline): Uncertain significance (1 of 4 stars; one submission).

Submission:

Labcorp Genetics (formerly Invitae), Labcorp
Classification: Uncertain significance. Last evaluated: 2022-07-19. Review status: criteria provided, single submitter. Criteria: Invitae Variant Classification Sherloc (09022015). Collection method: clinical testing. Allele origin: germline.
Comment: In summary, the available evidence is currently insufficient to determine the role of this variant in disease. Therefore, it has been classified as a Variant of Uncertain Significance. Algorithms developed to predict the effect of sequence changes on RNA splicing suggest that this variant may create or strengthen a splice site. This variant has not been reported in the literature in individuals affected with SPPL2A-related conditions. This variant is not present in population databases (gnomAD no frequency). This sequence change falls in intron 8 of the SPPL2A gene. It does not directly change the encoded amino acid sequence of the SPPL2A protein.

NM_032802.4(SPPL2A):c.933-10T>C

Gene: SPPL2A (signal peptide peptidase like 2A; minus strand). Cytogenetic location: 15q21.2.
Variant type: single nucleotide variant.
Coding change: c.933-10T>C on transcript NM_032802.4 (MANE Select); 10 bases into the intron before coding-DNA position 933, T replaced by C.
Molecular consequence: intron variant.
Genome position (GRCh38, 1-based): chr15:50,732,694, A>G on the plus strand (T>C on the coding strand, the complement: SPPL2A is on the minus strand). VCF-style: chr15-50732694-A-G. GRCh37 (hg19) VCF-style: chr15-51024891-A-G.
Identifiers: ClinVar variation 2018070 (VCV002018070.4), dbSNP rs2542818200, ClinGen allele CA2580089723.